The following is an entry in ClinVar:

NM_001024630.4(RUNX2):c.673C>T (p.Arg225Trp)

Gene: RUNX2 (RUNX family transcription factor 2; plus strand). Cytogenetic location: 6p21.1.
Variant type: single nucleotide variant.
Coding change: c.673C>T on transcript NM_001024630.4 (MANE Select); coding-DNA position 673, C replaced by T.
Protein change: p.Arg225Trp; replaces arginine 225 with tryptophan.
Molecular consequence: missense variant.
Genome position (GRCh38, 1-based): chr6:45,438,039, C>T. VCF-style: chr6-45438039-C-T. GRCh37 (hg19) VCF-style: chr6-45405776-C-T.
Other names: c.673C>T, p.Arg225Trp (NM_001015051.4); c.631C>T, p.Arg211Trp (NM_001278478.2, NM_001369405.1); short protein forms R225W, R211W.
Identifiers: ClinVar variation 9303 (VCV000009303.61), dbSNP rs104893992, ClinGen allele CA280139.

ClinVar aggregate classification (germline): Pathogenic. Review status: criteria provided, multiple submitters, no conflicts (2 of 4 stars). 10 submissions from 10 submitters: Pathogenic (7). 3 of the submissions do not count toward it. Last evaluated 2026-02-01.

Conditions:
RUNX2-related disorder. Also called: RUNX2-related condition.
Cleidocranial dysostosis (CLCD1). Also called: Marie-Sainton disease; Cleidocranial Dysplasia Spectrum Disorder; cleidocranial dysplasia 1. Identifiers: Orphanet 1452, MedGen C0008928, MONDO:0007340, OMIM 119600.

Submissions (10):

PreventionGenetics, part of Exact Sciences
Classification: Pathogenic for RUNX2-related condition. Last evaluated: 2026-02-01. Review status: criteria provided, single submitter. Criteria: ACMG Guidelines, 2015. Collection method: clinical testing. Allele origin: germline.
Comment: The RUNX2 c.673C>T variant is predicted to result in the amino acid substitution p.Arg225Trp. This variant was reported in multiple individuals with cleidocranial dysplasia (For example see: Quack et al. 1999. PubMed ID: 10521292; Hordyjewska-Kowalczyk et al. 2019. PubMed ID: 31347140; Gao et al. 2019. PubMed ID: 31548836; Table S5, MacCarrick et al. 2024. PubMed ID: 38702915), and was determined to be of de novo inheritance in at least two patients (Hordyjewska-Kowalczyk et al. 2019. PubMed ID: 31347140; Gao et al. 2019. PubMed ID: 31548836). This variant has not been reported in a large population database, indicating this variant is rare. This variant is interpreted as pathogenic.

Labcorp Genetics (formerly Invitae), Labcorp
Classification: Pathogenic. Last evaluated: 2024-10-07. Review status: criteria provided, single submitter. Criteria: Invitae Variant Classification Sherloc (09022015). Collection method: clinical testing. Allele origin: germline.
Comment: This sequence change replaces arginine, which is basic and polar, with tryptophan, which is neutral and slightly polar, at codon 225 of the RUNX2 protein (p.Arg225Trp). This variant is not present in population databases (gnomAD no frequency). This missense change has been observed in individual(s) with cleidocranial dysplasia (PMID: 10521292, 31548836). In at least one individual the variant was observed to be de novo. ClinVar contains an entry for this variant (Variation ID: 9303). Invitae Evidence Modeling of protein sequence and biophysical properties (such as structural, functional, and spatial information, amino acid conservation, physicochemical variation, residue mobility, and thermodynamic stability) indicates that this missense variant is expected to disrupt RUNX2 protein function with a positive predictive value of 80%. Experimental studies have shown that this missense change affects RUNX2 function (PMID: 10521292). This variant disrupts the p.Arg225 amino acid residue in RUNX2. Other variant(s) that disrupt this residue have been determined to be pathogenic (PMID: 10545612, 24222232, 24634175). This suggests that this residue is clinically significant, and that variants that disrupt this residue are likely to be disease-causing. For these reasons, this variant has been classified as Pathogenic.

GeneDx
Classification: Pathogenic. Last evaluated: 2024-08-15. Review status: criteria provided, single submitter. Criteria: GeneDx Variant Classification Process June 2021. Collection method: clinical testing. Allele origin: germline. Affected: yes.
Comment: In silico analysis supports that this missense variant has a deleterious effect on protein structure/function; Not observed at significant frequency in large population cohorts (gnomAD); This variant is associated with the following publications: (PMID: 12815605, 10521292, 11886988, 11857736, 28738062, 18316777, 16222673, 18818114, 12196916, 31548836, 31347140, 37334733, 35674542, 19744171)

Victorian Clinical Genetics Services, Murdoch Childrens Research Institute
Classification: Pathogenic for Cleidocranial dysostosis. Last evaluated: 2022-06-24. Review status: criteria provided, single submitter. Criteria: ACMG Guidelines, 2015. Collection method: clinical testing. Allele origin: germline. Inheritance: Autosomal dominant inheritance. Affected: yes.
Comment: Based on the classification scheme VCGS_Germline_v1.3.4, this variant is classified as Pathogenic. Following criteria are met: 0103 - Loss of function and gain of function are known mechanisms of disease in this gene and are associated with cleidocranial dysplasia (MIM#119600) and metaphyseal dysplasia with maxillary hypoplasia with or without brachydactyly (MDMHB; MIM#156510), respectively. MDMHB is caused exclusively by inframe exon duplications (OMIM, PMID: 29891876, PMID: 23290074). (I) 0107 - This gene is associated with autosomal dominant disease. (I) 0115 - Variants in this gene are known to have variable expressivity with intrafamilial variability (OMIM). (I) 0200 - Variant is predicted to result in a missense amino acid change from arginine to tryptophan. (I) 0251 - This variant is heterozygous. (I) 0301 - Variant is absent from gnomAD (both v2 and v3). (SP) 0501 - Missense variant consistently predicted to be damaging by multiple in silico tools or highly conserved with a major amino acid change. (SP) 0600 - Variant is located in the annotated runt domain (DECIPHER). (I) 0702 - Other missense variants comparable to the one identified in this case have strong previous evidence for pathogenicity. These alternative changes (p.(Arg225Gln), p.(Arg225Leu)) have been reported as pathogenic, and/or observed in individuals with cleidocranial dysplasia (CCD) (ClinVar, PMID: 20702542). (SP) 0801 - This variant has strong previous evidence of pathogenicity in unrelated individuals. This variant has been reported several times as pathogenic, and observed in individuals with CCD (ClinVar, PMID: 31548836, PMID: 28738062). (SP) 1208 - Inheritance information for this variant is not currently available in this individual. (I) Legend: (SP) - Supporting pathogenic, (I) - Information, (SB) - Supporting benign

Blueprint Genetics
Classification: Pathogenic for RUNX2-related disorders. Last evaluated: 2021-08-12. Review status: criteria provided, single submitter. Criteria: ACMG Guidelines, 2015. Collection method: clinical testing. Allele origin: germline. Affected: yes. Observed: 3 variant alleles.

CeGaT Center for Human Genetics Tuebingen
Classification: Pathogenic. Last evaluated: 2020-01-01. Review status: criteria provided, single submitter. Criteria: CeGaT Center For Human Genetics Tuebingen Variant Classification Criteria Version 2. Collection method: clinical testing. Allele origin: germline. Affected: yes. Observed: 1 variant allele.

Center of Excellence in Precision Medicine and Digital Health (CEPMDH), Faculty of Dentistry, Chulalongkorn University
Classification: Pathogenic for Cleidocranial dysostosis. Review status: criteria provided, single submitter. Criteria: ACMG Guidelines, 2015. Collection method: clinical testing. Allele origin: germline. Inheritance: Autosomal dominant inheritance. Affected: yes. Observed: 1 variant allele, 1 heterozygote.
Comment: This variant has been reported in a CCD patient in the former name of RUNX2, CBFA1 (Quack I et. al., 1999).

OMIM
Classification: Pathogenic for CLEIDOCRANIAL DYSPLASIA 1. Last evaluated: 1999-11-01. Review status: no assertion criteria provided. Collection method: literature only. Allele origin: germline. Not counted in ClinVar's aggregate classification.

Bioscientia Institut fuer Medizinische Diagnostik GmbH, Sonic Healthcare
Classification: Pathogenic for Cleidocranial dysostosis. Review status: no assertion criteria provided. Collection method: clinical testing. Allele origin: germline. Affected: yes. Not counted in ClinVar's aggregate classification.

GeneReviews
No classification provided. Condition: Cleidocranial dysostosis. Review status: no classification provided. Collection method: literature only. Allele origin: germline. Not counted in ClinVar's aggregate classification.

Literature cited by the submitters: PubMed 10521292 (cited by Labcorp Genetics (formerly Invitae), Labcorp and OMIM); PubMed 31548836 (cited by Labcorp Genetics (formerly Invitae), Labcorp and Victorian Clinical Genetics Services, Murdoch Childrens Research Institute); PubMed 10545612 (cited by Labcorp Genetics (formerly Invitae), Labcorp); PubMed 24222232 (cited by Labcorp Genetics (formerly Invitae), Labcorp); PubMed 24634175 (cited by Labcorp Genetics (formerly Invitae), Labcorp); PubMed 20702542 (cited by Victorian Clinical Genetics Services, Murdoch Childrens Research Institute); PubMed 23290074 (cited by Victorian Clinical Genetics Services, Murdoch Childrens Research Institute); PubMed 28738062 (cited by Victorian Clinical Genetics Services, Murdoch Childrens Research Institute); PubMed 29891876 (cited by Victorian Clinical Genetics Services, Murdoch Childrens Research Institute); NCBI Bookshelf NBK1513 (cited by GeneReviews).